The following is an entry in ClinVar:

NM_001365276.2(TNXB):c.12058+4C>T

Genes: TNXB (tenascin XB; minus strand), LOC106780803 (tenascin XB recombination region; plus strand). Cytogenetic location: 6p21.33.
Variant type: single nucleotide variant.
Coding change: c.12058+4C>T on transcript NM_001365276.2 (MANE Select); 4 bases into the intron after coding-DNA position 12058, C replaced by T.
Molecular consequence: intron variant.
Genome position (GRCh38, 1-based): chr6:32,042,695, G>A on the plus strand (C>T on the coding strand, the complement: TNXB is on the minus strand). VCF-style: chr6-32042695-G-A. GRCh37 (hg19) VCF-style: chr6-32010472-G-A.
Other names: c.12052+4C>T (NM_019105.8); c.12799+4C>T (NM_001428335.1); c.1345+4C>T (NM_032470.4).
Identifiers: ClinVar variation 4853798 (VCV004853798.1).

ClinVar aggregate classification (germline): Uncertain significance (1 of 4 stars; one submission).

Submission:

Women's Health and Genetics/Laboratory Corporation of America, LabCorp
Classification: Uncertain significance. Last evaluated: 2026-05-19. Review status: criteria provided, single submitter. Criteria: LabCorp Variant Classification Summary - May 2015. Collection method: clinical testing. Allele origin: germline.
Comment: Variant summary: TNXB c.12052+4C>T alters a nucleotide located close to a canonical splice site and therefore could affect mRNA splicing, leading to a significantly altered protein sequence. Consensus agreement among computation tools predict no significant impact on normal splicing. However, these predictions have yet to be confirmed by functional studies. The variant was absent in 131892 control chromosomes. The available data on variant occurrences in the general population are insufficient to allow any conclusion about variant significance. To our knowledge, no occurrence of c.12052+4C>T in individuals affected with TNXB-related conditions and no experimental evidence demonstrating its impact on protein function have been reported. No submitters have cited clinical-significance assessments for this variant to ClinVar. Based on the evidence outlined above, the variant was classified as uncertain significance.